The following is an entry in ClinVar:

ClinVar aggregate classification (germline): Uncertain significance (1 of 4 stars; one submission).

Allele frequency attached by ClinVar (database versions not stated): ExAC 0.00001; gnomAD 0.00001; gnomAD exomes 0.00001.
gnomAD v4.1: 10 of 1,613,766 alleles (0.00062%); highest among the groups gnomAD compares: Admixed American, 0.0017%; no homozygotes.

Submission:

GeneDx
Classification: Uncertain significance. Last evaluated: 2023-01-03. Review status: criteria provided, single submitter. Criteria: GeneDx Variant Classification Process June 2021. Collection method: clinical testing. Allele origin: germline. Affected: yes.
Comment: Not observed at significant frequency in large population cohorts (gnomAD); Missense variant in a gene in which most reported pathogenic variants are truncating/loss of function; Has not been previously published as pathogenic or benign to our knowledge

NM_001267550.2(TTN):c.24167C>T (p.Thr8056Met)

Gene: TTN (titin; minus strand). Cytogenetic location: 2q31.2.
Variant type: single nucleotide variant.
Coding change: c.24167C>T on transcript NM_001267550.2 (MANE Select); coding-DNA position 24167, C replaced by T.
Protein change: p.Thr8056Met; replaces threonine 8056 with methionine.
Molecular consequence: missense variant. On other transcripts: intron variant (3).
Genome position (GRCh38, 1-based): chr2:178,719,223, G>A on the plus strand (C>T on the coding strand, the complement: TTN is on the minus strand). VCF-style: chr2-178719223-G-A. GRCh37 (hg19) VCF-style: chr2-179583950-G-A.
Other names: c.23216C>T, p.Thr7739Met (NM_001256850.1); c.20435C>T, p.Thr6812Met (NM_133378.4); c.13282+18859C>T (NM_003319.4); c.13858+18859C>T (NM_133437.4); c.13657+18859C>T (NM_133432.3); short protein forms T6812M, T7739M, T8056M.
Identifiers: ClinVar variation 2507378 (VCV002507378.1), dbSNP rs757148743, ClinGen allele CA2000490.